The following is an entry in ClinVar:

ClinVar aggregate classification (germline): Uncertain significance (1 of 4 stars; one submission).

gnomAD v4.1: 17 of 1,613,940 alleles (0.0011%); highest among the groups gnomAD compares: Non-Finnish European, 0.0012%; no homozygotes.

Submission:

Labcorp Genetics (formerly Invitae), Labcorp
Classification: Uncertain significance. Last evaluated: 2025-06-12. Review status: criteria provided, single submitter. Criteria: Invitae Variant Classification Sherloc (09022015). Collection method: clinical testing. Allele origin: germline.
Comment: This sequence change replaces tryptophan, which is neutral and slightly polar, with arginine, which is basic and polar, at codon 117 of the CLDN16 protein (p.Trp117Arg). This variant is present in population databases (rs146727044, gnomAD 0.0009%). This variant has not been reported in the literature in individuals affected with CLDN16-related conditions. ClinVar contains an entry for this variant (Variation ID: 3681807). Invitae Evidence Modeling of protein sequence and biophysical properties (such as structural, functional, and spatial information, amino acid conservation, physicochemical variation, residue mobility, and thermodynamic stability) has been performed for this missense variant. However, the output from this modeling did not meet the statistical confidence thresholds required to predict the impact of this variant on CLDN16 protein function. In summary, the available evidence is currently insufficient to determine the role of this variant in disease. Therefore, it has been classified as a Variant of Uncertain Significance.

NM_006580.4(CLDN16):c.139T>C (p.Trp47Arg)

Gene: CLDN16 (claudin 16; plus strand). Cytogenetic location: 3q28.
Variant type: single nucleotide variant.
Coding change: c.139T>C on transcript NM_006580.4 (MANE Select); coding-DNA position 139, T replaced by C.
Protein change: p.Trp47Arg; replaces tryptophan 47 with arginine.
Molecular consequence: missense variant.
Genome position (GRCh38, 1-based): chr3:190,402,361, T>C. VCF-style: chr3-190402361-T-C. GRCh37 (hg19) VCF-style: chr3-190120150-T-C.
Other names: c.139T>C, p.Trp47Arg (NM_001378492.1, NM_001378493.1); short protein forms W47R.
Identifiers: ClinVar variation 3681807 (VCV003681807.2).
Genomic context (GRCh38, chr3:190,402,361, plus strand): 5'-TGAATTGTTTCACACGGTGTCTTCTCTAACATCTAGGTGAGCACAAAATGCCGAGGCCTC[T>C]GGTGGGAATGCGTCACAAATGCTTTTGATGGGATTCGCACCTGTGATGAGTACGATTCCA-3'
Protein context (NP_006571.2, residues 37-57): LEVSTKCRGL[Trp47Arg]WECVTNAFDG